The following is an entry in ClinVar:

ClinVar aggregate classification (germline): Likely pathogenic (1 of 4 stars; one submission).

Conditions:
Pyruvate carboxylase deficiency. Also called: ATAXIA WITH LACTIC ACIDOSIS II; PC DEFICIENCY; Pyruvate Carboxylase Deficiency Disease; LEIGH NECROTIZING ENCEPHALOPATHY DUE TO PYRUVATE CARBOXYLASE DEFICIENCY; LEIGH SYNDROME DUE TO PYRUVATE CARBOXYLASE DEFICIENCY. Identifiers: Orphanet 3008, MedGen C0034341, MONDO:0009949, OMIM 266150.

Submission:

Juno Genomics, Hangzhou Juno Genomics, Inc
Classification: Likely pathogenic for Pyruvate carboxylase deficiency. Review status: criteria provided, single submitter. Criteria: ACMG Guidelines, 2015. Collection method: clinical testing. Allele origin: germline. Affected: yes.
Comment: Absent from controls (or at extremely low frequency if recessive) in Genome Aggregation Database.;Null variant in a gene where loss of function (LOF) is a known mechanism of disease.;For recessive disorders, detected in trans with a pathogenic variant.;Patient's phenotype or family history is highly specific for a disease with a single genetic etiology.

NM_001040716.2(PC):c.3381_3402del (p.Gly1128fs)

Gene: PC (pyruvate carboxylase; minus strand). Cytogenetic location: 11q13.2.
Variant type: Deletion.
Coding change: c.3381_3402del on transcript NM_001040716.2 (MANE Select); coding-DNA positions 3381 to 3402, 22 bases deleted (AGGGGCCAAGGTGGCCAAGGGC).
Protein change: p.Gly1128fs; shifts the reading frame from glycine 1128.
Molecular consequence: frameshift variant.
Genome position (GRCh38, 1-based): chr11:66,849,034-66,849,055, GCCCTTGGCCACCTTGGCCCCT deleted on the plus strand (AGGGGCCAAGGTGGCCAAGGGC on the coding strand, the reverse complement: PC is on the minus strand); deleting any 22 consecutive bases within chr11:66,849,034-66,849,058 gives the same sequence; the c. name uses the placement nearest the transcript's 3' end. VCF-style (leftmost placement, unchanged base first): chr11-66849033-GGCCCTTGGCCACCTTGGCCCCT-G. GRCh37 (hg19) VCF-style: chr11-66616504-GGCCCTTGGCCACCTTGGCCCCT-G.
Other names: c.3381_3402del, p.Gly1128fs (NM_000920.4, NM_001439352.1, NM_001439353.1 and 5 more transcripts); short protein forms G1128fs.
Identifiers: ClinVar variation 5019842 (VCV005019842.1).
Genomic context (GRCh38, chr11:66,849,033, plus strand): 5'-CCTCCATGGGTGAGGTCACCACAGTCTCCATCTTCATGGCACTGAGCACACACAGGGGCT[GGCCCTTGGCCACCTTGGCCCCT>G]GCCACCACTTTGATGTCTATCACCTTCCCAGGCATGGGCGCCCCGATCTGGCCCTTCACG-3'